The following is an entry in ClinVar:

ClinVar aggregate classification (germline): Uncertain significance. Review status: criteria provided, multiple submitters, no conflicts (2 of 4 stars). 3 submissions from 3 submitters: Uncertain significance (3). Last evaluated 2026-01-27.

Conditions:
Inborn genetic diseases. Identifiers: MedGen C0950123, MeSH D030342.
Autosomal dominant Parkinson disease 8. Also called: Parkinson disease 8, susceptibility to; LRRK2-Related Parkinson Disease; Parkinson disease 8. Identifiers: Orphanet 411602, MedGen C1846862, MONDO:0011764, OMIM 607060.

Allele frequency attached by ClinVar (database versions not stated): gnomAD exomes 0.00001; TOPMed 0.00002; ExAC 0.00003; gnomAD 0.00003.
gnomAD v4.1: 23 of 1,612,034 alleles (0.0014%); highest among the groups gnomAD compares: Middle Eastern, 0.033%; no homozygotes.

Submissions (3):

Labcorp Genetics (formerly Invitae), Labcorp
Classification: Uncertain significance for Autosomal dominant Parkinson disease 8. Last evaluated: 2026-01-27. Review status: criteria provided, single submitter. Criteria: Invitae Variant Classification Sherloc (09022015). Collection method: clinical testing. Allele origin: germline.
Comment: This sequence change replaces valine, which is neutral and non-polar, with alanine, which is neutral and non-polar, at codon 2357 of the LRRK2 protein (p.Val2357Ala). This variant is present in population databases (rs776691033, gnomAD 0.08%). This variant has not been reported in the literature in individuals affected with LRRK2-related conditions. ClinVar contains an entry for this variant (Variation ID: 1757010). Invitae Evidence Modeling of protein sequence and biophysical properties (such as structural, functional, and spatial information, amino acid conservation, physicochemical variation, residue mobility, and thermodynamic stability) has been performed for this missense variant. However, the output from this modeling did not meet the statistical confidence thresholds required to predict the impact of this variant on LRRK2 protein function. In summary, the available evidence is currently insufficient to determine the role of this variant in disease. Therefore, it has been classified as a Variant of Uncertain Significance.

Ambry Genetics
Classification: Uncertain significance for Inborn genetic diseases. Last evaluated: 2022-10-05. Review status: criteria provided, single submitter. Criteria: Ambry Variant Classification Scheme 2023. Collection method: clinical testing. Allele origin: germline.
Comment: The p.V2357A variant (also known as c.7070T>C), located in coding exon 48 of the LRRK2 gene, results from a T to C substitution at nucleotide position 7070. The valine at codon 2357 is replaced by alanine, an amino acid with similar properties. This amino acid position is conserved. In addition, this alteration is predicted to be tolerated by in silico analysis. Since supporting evidence is limited at this time, the clinical significance of this alteration remains unclear.

Department of Pathology and Laboratory Medicine, Sinai Health System
Classification: Uncertain significance for Autosomal dominant Parkinson disease 8. Last evaluated: 2020-05-29. Review status: criteria provided, single submitter. Criteria: ACMG Guidelines, 2015. Collection method: research. Allele origin: germline.

NM_198578.4(LRRK2):c.7070T>C (p.Val2357Ala)

Gene: LRRK2 (leucine rich repeat kinase 2; plus strand). Cytogenetic location: 12q12.
Variant type: single nucleotide variant.
Coding change: c.7070T>C on transcript NM_198578.4 (MANE Select); coding-DNA position 7070, T replaced by C.
Protein change: p.Val2357Ala; replaces valine 2357 with alanine.
Molecular consequence: missense variant.
Genome position (GRCh38, 1-based): chr12:40,363,443, T>C. VCF-style: chr12-40363443-T-C. GRCh37 (hg19) VCF-style: chr12-40757245-T-C.
Other names: short protein forms V2357A.
Identifiers: ClinVar variation 1757010 (VCV001757010.8), dbSNP rs776691033, ClinGen allele CA6514846.
Genomic context (GRCh38, chr12:40,363,443, plus strand): 5'-TATTTTTTTTTCTCTGTAGGTTTTCTTATGCAGCTTTCAGTGATTCCAACATCATAACAG[T>C]GGTGGTAGACACTGCTCTCTATATTGCTAAGCAAAATAGCCCTGTTGTGGAAGTGTGGGA-3'
Protein context (NP_940980.4, residues 2347-2367): AAFSDSNIIT[Val2357Ala]VVDTALYIAK